The following is an entry in ClinVar:

NM_000057.4(BLM):c.4076+5G>T

Gene: BLM (BLM RecQ like helicase; plus strand). Cytogenetic location: 15q26.1.
Variant type: single nucleotide variant.
Coding change: c.4076+5G>T on transcript NM_000057.4 (MANE Select); 5 bases into the intron after coding-DNA position 4076, G replaced by T.
Molecular consequence: intron variant.
Genome position (GRCh38, 1-based): chr15:90,811,411, G>T. VCF-style: chr15-90811411-G-T. GRCh37 (hg19) VCF-style: chr15-91354641-G-T.
Other names: c.4076+5G>T (NM_001287246.2); c.2951+5G>T (NM_001287248.2); c.3683+5G>T (NM_001287247.2).
Identifiers: ClinVar variation 2561126 (VCV002561126.2), dbSNP rs1228601900, ClinGen allele CA619860802.

ClinVar aggregate classification (germline): Uncertain significance (1 of 4 stars; one submission).

Conditions:
Hereditary cancer-predisposing syndrome. Also called: Neoplastic Syndromes, Hereditary; Hereditary Cancer Syndrome; Hereditary neoplastic syndrome; Tumor predisposition. Identifiers: Orphanet 140162, MedGen C0027672, MeSH D009386, MONDO:0015356.

Submission:

Ambry Genetics
Classification: Uncertain significance for Hereditary cancer-predisposing syndrome. Last evaluated: 2023-05-22. Review status: criteria provided, single submitter. Criteria: Ambry Variant Classification Scheme 2023. Collection method: clinical testing. Allele origin: germline.
Comment: The c.4076+5G>T intronic variant results from a G to T substitution 5 nucleotides after coding exon 20 in the BLM gene. This nucleotide position is highly conserved in available vertebrate species. In silico splice site analysis predicts that this alteration will weaken the native splice donor site. Since supporting evidence is limited at this time, the clinical significance of this alteration remains unclear.